The following is an entry in ClinVar:

ClinVar aggregate classification (germline): Uncertain significance. Review status: criteria provided, multiple submitters, no conflicts (2 of 4 stars). 2 submissions from 2 submitters: Uncertain significance (2). Last evaluated 2025-11-08.

Conditions:
Hypertrophic cardiomyopathy 14. Identifiers: MedGen C2750467, MONDO:0013197, OMIM 613251.

gnomAD v4.1: 6 of 1,614,102 alleles (0.00037%); highest among the groups gnomAD compares: Non-Finnish European, 0.00051%; no homozygotes.

Submissions (2):

Labcorp Genetics (formerly Invitae), Labcorp
Classification: Uncertain significance for Hypertrophic cardiomyopathy 14. Last evaluated: 2025-11-08. Review status: criteria provided, single submitter. Criteria: Invitae Variant Classification Sherloc (09022015). Collection method: clinical testing. Allele origin: germline.
Comment: This sequence change replaces glutamic acid, which is acidic and polar, with lysine, which is basic and polar, at codon 1529 of the MYH6 protein (p.Glu1529Lys). This variant is present in population databases (rs372327939, gnomAD 0.0009%). This variant has not been reported in the literature in individuals affected with MYH6-related conditions. ClinVar contains an entry for this variant (Variation ID: 3898792). Invitae Evidence Modeling of protein sequence and biophysical properties (such as structural, functional, and spatial information, amino acid conservation, physicochemical variation, residue mobility, and thermodynamic stability) indicates that this missense variant is expected to disrupt MYH6 protein function with a positive predictive value of 80%. In summary, the available evidence is currently insufficient to determine the role of this variant in disease. Therefore, it has been classified as a Variant of Uncertain Significance.

GeneDx
Classification: Uncertain significance. Last evaluated: 2024-11-11. Review status: criteria provided, single submitter. Criteria: GeneDx Variant Classification Process June 2021. Collection method: clinical testing. Allele origin: germline. Affected: yes.
Comment: Not observed at significant frequency in large population cohorts (gnomAD); In silico analysis supports that this missense variant has a deleterious effect on protein structure/function; Has not been previously published as pathogenic or benign to our knowledge

NM_002471.4(MYH6):c.4585G>A (p.Glu1529Lys)

Gene: MYH6 (myosin heavy chain 6; minus strand). Cytogenetic location: 14q11.2.
Variant type: single nucleotide variant.
Coding change: c.4585G>A on transcript NM_002471.4 (MANE Select); coding-DNA position 4585, G replaced by A.
Protein change: p.Glu1529Lys; replaces glutamic acid 1529 with lysine.
Molecular consequence: missense variant.
Genome position (GRCh38, 1-based): chr14:23,387,594, C>T on the plus strand (G>A on the coding strand, the complement: MYH6 is on the minus strand). VCF-style: chr14-23387594-C-T. GRCh37 (hg19) VCF-style: chr14-23856803-C-T.
Other names: short protein forms E1529K.
Identifiers: ClinVar variation 3898792 (VCV003898792.2).